The following is an entry in ClinVar:

ClinVar aggregate classification (germline): Uncertain significance (1 of 4 stars; one submission).

Conditions:
Dilated cardiomyopathy 1G (CMD1G). Identifiers: Orphanet 154, MedGen C1858763, MONDO:0011400, OMIM 604145.
Autosomal recessive limb-girdle muscular dystrophy type 2J (LGMDR10). Also called: MUSCULAR DYSTROPHY, LIMB-GIRDLE, AUTOSOMAL RECESSIVE 10; Limb-girdle muscular dystrophy, type 2J. Identifiers: Orphanet 140922, MedGen C1837342, MONDO:0012127, OMIM 608807.

Submission:

Labcorp Genetics (formerly Invitae), Labcorp
Classification: Uncertain significance for Dilated cardiomyopathy 1G; Autosomal recessive limb-girdle muscular dystrophy type 2J. Last evaluated: 2021-02-11. Review status: criteria provided, single submitter. Criteria: Invitae Variant Classification Sherloc (09022015). Collection method: clinical testing. Allele origin: germline.
Comment: In summary, the available evidence is currently insufficient to determine the role of this variant in disease. Therefore, it has been classified as a Variant of Uncertain Significance. This variant is located in the I band of TTN (PMID: 25589632). Truncating variants in this region have been shown to be highly prevalent in the general population and unaffected individuals (PMID: 26701604, 22335739). However, truncating variants in this region have also been reported in individuals affected with autosomal recessive centronuclear myopathy (PMID: 23975875). This variant has not been reported in the literature in individuals with TTN-related conditions. This variant is not present in population databases (ExAC no frequency). This sequence change creates a premature translational stop signal (p.Lys3509*) in the TTN gene. While this is not anticipated to result in nonsense mediated decay, it is expected to create a truncated TTN protein.

Literature cited by the submitters: PubMed 25589632; PubMed 26701604; PubMed 22335739; PubMed 23975875.

NM_001267550.2(TTN):c.10525A>T (p.Lys3509Ter)

Gene: TTN (titin; minus strand). Cytogenetic location: 2q31.2.
Variant type: single nucleotide variant.
Coding change: c.10525A>T on transcript NM_001267550.2 (MANE Select); coding-DNA position 10525, A replaced by T.
Protein change: p.Lys3509Ter; replaces lysine 3509 with a stop codon.
Molecular consequence: nonsense. On other transcripts: intron variant (5).
Genome position (GRCh38, 1-based): chr2:178,757,695, T>A on the plus strand (A>T on the coding strand, the complement: TTN is on the minus strand). VCF-style: chr2-178757695-T-A. GRCh37 (hg19) VCF-style: chr2-179622422-T-A.
Other names: c.10387A>T, p.Lys3463Ter (NM_133432.3); c.10165+1289A>T (NM_003319.4); c.10166-898A>T (NM_133437.4); c.10303+1289A>T (NM_133378.4, NM_001256850.1, NM_133379.5); short protein forms K3463*, K3509*.
Identifiers: ClinVar variation 1474985 (VCV001474985.8), dbSNP rs2154336016, ClinGen allele CA349672054.